The following is an entry in ClinVar:

NM_198253.3(TERT):c.2070G>C (p.Trp690Cys)

Gene: TERT (telomerase reverse transcriptase; minus strand). Cytogenetic location: 5p15.33.
Variant type: single nucleotide variant.
Coding change: c.2070G>C on transcript NM_198253.3 (MANE Select); coding-DNA position 2070, G replaced by C.
Protein change: p.Trp690Cys; replaces tryptophan 690 with cysteine.
Molecular consequence: missense variant. On other transcripts: non-coding transcript variant (2).
Genome position (GRCh38, 1-based): chr5:1,279,351, C>G on the plus strand (G>C on the coding strand, the complement: TERT is on the minus strand). VCF-style: chr5-1279351-C-G. GRCh37 (hg19) VCF-style: chr5-1279466-C-G.
Other names: c.2070G>C, p.Trp690Cys (NM_001193376.3, NM_003219.1); short protein forms W690C.
Identifiers: ClinVar variation 2127114 (VCV002127114.4), dbSNP rs1749848939, ClinGen allele CA359080236.

ClinVar aggregate classification (germline): Uncertain significance (1 of 4 stars; one submission).

Conditions:
Dyskeratosis congenita, autosomal dominant 2. Identifiers: MedGen C3151443, MONDO:0013521, OMIM 613989.
Idiopathic Pulmonary Fibrosis. Also called: Idiopathic fibrosing alveolitis, chronic form; idiopathic fibrosing alveolitis. Identifiers: Orphanet 2032, MedGen C1800706, MeSH D054990, MONDO:0800504.

Submission:

Labcorp Genetics (formerly Invitae), Labcorp
Classification: Uncertain significance for Dyskeratosis congenita, autosomal dominant 2; Idiopathic Pulmonary Fibrosis. Last evaluated: 2022-11-14. Review status: criteria provided, single submitter. Criteria: Invitae Variant Classification Sherloc (09022015). Collection method: clinical testing. Allele origin: germline.
Comment: This variant has not been reported in the literature in individuals affected with TERT-related conditions. Advanced modeling of protein sequence and biophysical properties (such as structural, functional, and spatial information, amino acid conservation, physicochemical variation, residue mobility, and thermodynamic stability) performed at Invitae indicates that this missense variant is expected to disrupt TERT protein function. In summary, the available evidence is currently insufficient to determine the role of this variant in disease. Therefore, it has been classified as a Variant of Uncertain Significance. This variant is not present in population databases (gnomAD no frequency). This sequence change replaces tryptophan, which is neutral and slightly polar, with cysteine, which is neutral and slightly polar, at codon 690 of the TERT protein (p.Trp690Cys).